The following is an entry in ClinVar:

NM_000271.5(NPC1):c.2900G>T (p.Cys967Phe)

Gene: NPC1 (NPC intracellular cholesterol transporter 1; minus strand). Cytogenetic location: 18q11.2.
Variant type: single nucleotide variant.
Coding change: c.2900G>T on transcript NM_000271.5 (MANE Select); coding-DNA position 2900, G replaced by T.
Protein change: p.Cys967Phe; replaces cysteine 967 with phenylalanine.
Molecular consequence: missense variant.
Genome position (GRCh38, 1-based): chr18:23,539,366, C>A on the plus strand (G>T on the coding strand, the complement: NPC1 is on the minus strand). VCF-style: chr18-23539366-C-A. GRCh37 (hg19) VCF-style: chr18-21119330-C-A.
Other names: short protein forms C967F.
Identifiers: ClinVar variation 4854023 (VCV004854023.1).

ClinVar aggregate classification (germline): Uncertain significance (1 of 4 stars; one submission).

Conditions:
NPC1-related disorder. Also called: NPC1-related condition.

Submission:

3billion
Classification: Uncertain significance for NPC1-related disorder. Last evaluated: 2025-12-26. Review status: criteria provided, single submitter. Criteria: ACMG Guidelines, 2015. Collection method: clinical testing. Allele origin: germline. Affected: yes.
Comment: The variant is not observed in the gnomAD v4.1.0 dataset. Predicted Consequence/Location: The variant is located in a mutational hot spot and/or well-established functional domain in which established pathogenic variants have been reported (PMID: 11333381, 15774455). In silico tool predictions suggest damaging effect of the variant on gene or gene product [REVEL: 0.92 (>=0.6, sensitivity 0.68 and specificity 0.92); 3Cnet: 0.99 (> 0.75, sensitivity 0.96 and precision 0.92)]. Therefore, this variant is classified as VUS according to the recommendation of ACMG/AMP guideline.